The following is an entry in ClinVar:

ClinVar aggregate classification (germline): Uncertain significance. Review status: criteria provided, multiple submitters, no conflicts (2 of 4 stars). 3 submissions from 3 submitters: Uncertain significance (2). 1 of the submissions does not count toward it. Last evaluated 2025-09-24.

Conditions:
Hereditary cancer-predisposing syndrome. Also called: Tumor predisposition; Neoplastic Syndromes, Hereditary; Hereditary Cancer Syndrome; Hereditary neoplastic syndrome. Identifiers: Orphanet 140162, MedGen C0027672, MeSH D009386, MONDO:0015356.
Cerebroretinal microangiopathy with calcifications and cysts 3 (CRMCC3). Identifiers: MedGen C5830497, MONDO:0957264, OMIM 620368.
Tumor predisposition syndrome 3 (TPDS3). Also called: Melanoma, cutaneous malignant, susceptibility to, 10; LONG TELOMERE SYNDROME, POT1-RELATED; POT1 Tumor Predisposition; Glioma susceptibility 9. Identifiers: Orphanet 618, MedGen C4014476, MONDO:0014368, OMIM 615848.

gnomAD v4.1: 4 of 1,605,342 alleles (0.00025%); highest among the groups gnomAD compares: Non-Finnish European, 0.00034%; no homozygotes.

Submissions (3):

Labcorp Genetics (formerly Invitae), Labcorp
Classification: Uncertain significance for Tumor predisposition syndrome 3. Last evaluated: 2025-09-24. Review status: criteria provided, single submitter. Criteria: Invitae Variant Classification Sherloc (09022015). Collection method: clinical testing. Allele origin: germline.
Comment: This sequence change replaces serine, which is neutral and polar, with leucine, which is neutral and non-polar, at codon 322 of the POT1 protein (p.Ser322Leu). This variant is not present in population databases (gnomAD no frequency). This variant has not been reported in the literature in individuals affected with POT1-related conditions. ClinVar contains an entry for this variant (Variation ID: 1504733). Invitae Evidence Modeling of protein sequence and biophysical properties (such as structural, functional, and spatial information, amino acid conservation, physicochemical variation, residue mobility, and thermodynamic stability) indicates that this missense variant is not expected to disrupt POT1 protein function with a negative predictive value of 80%. Experimental studies have shown that this missense change affects POT1 function (PMID: 27013236). In summary, the available evidence is currently insufficient to determine the role of this variant in disease. Therefore, it has been classified as a Variant of Uncertain Significance.

Ambry Genetics
Classification: Uncertain significance for Hereditary cancer-predisposing syndrome. Last evaluated: 2024-09-06. Review status: criteria provided, single submitter. Criteria: Ambry Variant Classification Scheme 2023. Collection method: clinical testing. Allele origin: germline.
Comment: The p.S322L variant (also known as c.965C>T), located in coding exon 8 of the POT1 gene, results from a C to T substitution at nucleotide position 965. The serine at codon 322 is replaced by leucine, an amino acid with dissimilar properties. This alteration has been reported in the homozygous state in two siblings with coats plus and functional studies performed with this variant showed telomere abnormalities (Takai H et al. Genes Dev, 2016 04;30:812-26). This amino acid position is highly conserved in available vertebrate species. In addition, this alteration is predicted to be tolerated by in silico analysis. Based on the available evidence, the clinical significance of this variant remains unclear.

OMIM
Classification: Pathogenic for CEREBRORETINAL MICROANGIOPATHY WITH CALCIFICATIONS AND CYSTS 3 (1 family). Last evaluated: 2023-09-26. Review status: no assertion criteria provided. Collection method: literature only. Allele origin: germline. Not counted in ClinVar's aggregate classification.

Literature cited by the submitters: PubMed 27013236 (cited by 3 submitters).

NM_015450.3(POT1):c.965C>T (p.Ser322Leu)

Gene: POT1 (protection of telomeres 1; minus strand). Cytogenetic location: 7q31.33.
Variant type: single nucleotide variant.
Coding change: c.965C>T on transcript NM_015450.3 (MANE Select); coding-DNA position 965, C replaced by T.
Protein change: p.Ser322Leu; replaces serine 322 with leucine.
Molecular consequence: missense variant. On other transcripts: non-coding transcript variant (3).
Genome position (GRCh38, 1-based): chr7:124,846,983, G>A on the plus strand (C>T on the coding strand, the complement: POT1 is on the minus strand). VCF-style: chr7-124846983-G-A. GRCh37 (hg19) VCF-style: chr7-124487037-G-A.
Other names: c.965C>T (NM_015450.2); c.572C>T, p.Ser191Leu (NM_001042594.2); short protein forms S322L, S191L.
Identifiers: ClinVar variation 1504733 (VCV001504733.12), dbSNP rs2116484197, ClinGen allele CA369053822.